The following is an entry in ClinVar:

ClinVar aggregate classification (germline): Uncertain significance (1 of 4 stars; one submission).

Conditions:
Neurodevelopmental disorder with progressive spasticity and brain white matter abnormalities. Also called: CEREBRAL PALSY, SPASTIC QUADRIPLEGIC, 1. Identifiers: Orphanet 210141, Orphanet 641353, MedGen C5436628, MONDO:0033613, OMIM 619026.

Submission:

Institute of Human Genetics, University of Leipzig Medical Center
Classification: Uncertain significance for Neurodevelopmental disorder with progressive spasticity and brain white matter abnormalities. Last evaluated: 2023-01-20. Review status: criteria provided, single submitter. Criteria: ACMG Guidelines, 2015. Collection method: clinical testing. Allele origin: biparental. Affected: yes.
Comment: This variant was identified as homozygous._x000D_ Despite that the variant was classified as a VUS, it was deemed causative due to a perfect clinical overlap and the fact that there is another known pathogenic missense at the same position. Criteria applied: PM5, PM2_SUP, PM3_SUP, PP3

NM_032756.4(HPDL):c.232G>T (p.Ala78Ser)

Gene: HPDL (4-hydroxyphenylpyruvate dioxygenase like; plus strand). Cytogenetic location: 1p34.1.
Variant type: single nucleotide variant.
Coding change: c.232G>T on transcript NM_032756.4 (MANE Select); coding-DNA position 232, G replaced by T.
Protein change: p.Ala78Ser; replaces alanine 78 with serine.
Molecular consequence: missense variant.
Genome position (GRCh38, 1-based): chr1:45,327,380, G>T. VCF-style: chr1-45327380-G-T. GRCh37 (hg19) VCF-style: chr1-45793052-G-T.
Other names: short protein forms A78S.
Identifiers: ClinVar variation 2430273 (VCV002430273.2), dbSNP rs1360472871, ClinGen allele CA340128156.